The following is an entry in ClinVar:

ClinVar aggregate classification (germline): Uncertain significance (1 of 4 stars; one submission).

Conditions:
Combined immunodeficiency due to STK4 deficiency (IMD110). Also called: STK4 DEFICIENCY; MST1 DEFICIENCY; T-cell immunodeficiency, recurrent infections, and autoimmunity with or without cardiac malformations. Identifiers: Orphanet 314689, MedGen C3553943, MONDO:0013934, OMIM 614868.

Submission:

Labcorp Genetics (formerly Invitae), Labcorp
Classification: Uncertain significance for Combined immunodeficiency due to STK4 deficiency. Last evaluated: 2022-10-19. Review status: criteria provided, single submitter. Criteria: Invitae Variant Classification Sherloc (09022015). Collection method: clinical testing. Allele origin: germline.
Comment: In summary, the available evidence is currently insufficient to determine the role of this variant in disease. Therefore, it has been classified as a Variant of Uncertain Significance. Advanced modeling of protein sequence and biophysical properties (such as structural, functional, and spatial information, amino acid conservation, physicochemical variation, residue mobility, and thermodynamic stability) performed at Invitae indicates that this missense variant is not expected to disrupt STK4 protein function. This variant has not been reported in the literature in individuals affected with STK4-related conditions. This variant is not present in population databases (gnomAD no frequency). This sequence change replaces methionine, which is neutral and non-polar, with isoleucine, which is neutral and non-polar, at codon 368 of the STK4 protein (p.Met368Ile).

NM_006282.5(STK4):c.1104G>A (p.Met368Ile)

Gene: STK4 (serine/threonine kinase 4; plus strand). Cytogenetic location: 20q13.12.
Variant type: single nucleotide variant.
Coding change: c.1104G>A on transcript NM_006282.5 (MANE Select); coding-DNA position 1104, G replaced by A.
Protein change: p.Met368Ile; replaces methionine 368 with isoleucine.
Molecular consequence: missense variant.
Genome position (GRCh38, 1-based): chr20:45,001,310, G>A. VCF-style: chr20-45001310-G-A. GRCh37 (hg19) VCF-style: chr20-43629951-G-A.
Other names: c.1104G>A, p.Met368Ile (NM_001352385.2); short protein forms M368I.
Identifiers: ClinVar variation 1721878 (VCV001721878.6), dbSNP rs2515641445, ClinGen allele CA409126957.
Genomic context (GRCh38, chr20:45,001,310, plus strand): 5'-TGATGGAGCCAATACTATGATTGAGCACGATGACACGTTGCCATCACAACTGGGCACCAT[G>A]GTGATCAATGCAGAGGATGAGGAAGAGGAAGGAACTATGAAAAGTAAGGCTCTGAGTAAA-3'
Protein context (NP_006273.1, residues 358-378): DDTLPSQLGT[Met368Ile]VINAEDEEEE